The following is an entry in ClinVar:

NM_032387.5(WNK4):c.3595C>T (p.Arg1199Cys)

Gene: WNK4 (WNK lysine deficient protein kinase 4; plus strand). Cytogenetic location: 17q21.2.
Variant type: single nucleotide variant.
Coding change: c.3595C>T on transcript NM_032387.5 (MANE Select); coding-DNA position 3595, C replaced by T.
Protein change: p.Arg1199Cys; replaces arginine 1199 with cysteine.
Molecular consequence: missense variant.
Genome position (GRCh38, 1-based): chr17:42,796,286, C>T. VCF-style: chr17-42796286-C-T. GRCh37 (hg19) VCF-style: chr17-40948304-C-T.
Other names: c.2587C>T, p.Arg863Cys (NM_001321299.2); short protein forms R1199C, R863C.
Identifiers: ClinVar variation 891897 (VCV000891897.10), dbSNP rs200519604, ClinGen allele CA8584639.

ClinVar aggregate classification (germline): Uncertain significance. Review status: criteria provided, multiple submitters, no conflicts (2 of 4 stars). 4 submissions from 4 submitters: Uncertain significance (4). Last evaluated 2025-05-13.

Conditions:
Inborn genetic diseases. Identifiers: MedGen C0950123, MeSH D030342.
Pseudohypoaldosteronism type 2B (PHA2B). Also called: Pseudohypoaldosteronism Type IIB. Identifiers: Orphanet 757, Orphanet 88939, MedGen C1840390, MONDO:0013777, OMIM 614491.

Allele frequency attached by ClinVar (database versions not stated): TOPMed 0.00004; 1000 Genomes Project 30x 0.00031.
gnomAD v4.1: 36 of 1,611,910 alleles (0.0022%); highest among the groups gnomAD compares: Admixed American, 0.013%; no homozygotes.

Submissions (4):

Labcorp Genetics (formerly Invitae), Labcorp
Classification: Uncertain significance. Last evaluated: 2025-05-13. Review status: criteria provided, single submitter. Criteria: Invitae Variant Classification Sherloc (09022015). Collection method: clinical testing. Allele origin: germline.
Comment: This sequence change replaces arginine, which is basic and polar, with cysteine, which is neutral and slightly polar, at codon 1199 of the WNK4 protein (p.Arg1199Cys). This variant is present in population databases (rs200519604, gnomAD 0.003%). This variant has not been reported in the literature in individuals affected with WNK4-related conditions. ClinVar contains an entry for this variant (Variation ID: 891897). Invitae Evidence Modeling of protein sequence and biophysical properties (such as structural, functional, and spatial information, amino acid conservation, physicochemical variation, residue mobility, and thermodynamic stability) indicates that this missense variant is not expected to disrupt WNK4 protein function with a negative predictive value of 95%. In summary, the available evidence is currently insufficient to determine the role of this variant in disease. Therefore, it has been classified as a Variant of Uncertain Significance.

Ambry Genetics
Classification: Uncertain significance for Inborn genetic diseases. Last evaluated: 2025-03-04. Review status: criteria provided, single submitter. Criteria: Ambry Variant Classification Scheme 2023. Collection method: clinical testing. Allele origin: germline.

Fulgent Genetics
Classification: Uncertain significance for Pseudohypoaldosteronism type 2B. Last evaluated: 2024-01-04. Review status: criteria provided, single submitter. Criteria: ACMG Guidelines, 2015. Collection method: clinical testing. Allele origin: germline.

Illumina Laboratory Services, Illumina
Classification: Uncertain significance for Pseudohypoaldosteronism type 2B. Last evaluated: 2018-02-02. Review status: criteria provided, single submitter. Criteria: ICSL Variant Classification Criteria 13 December 2019. Collection method: clinical testing. Allele origin: germline.